The following is an entry in ClinVar:

ClinVar aggregate classification (germline): Uncertain significance (1 of 4 stars; one submission).

Allele frequency attached by ClinVar (database versions not stated): TOPMed below 0.00001.

Submission:

Labcorp Genetics (formerly Invitae), Labcorp
Classification: Uncertain significance. Last evaluated: 2025-06-02. Review status: criteria provided, single submitter. Criteria: Invitae Variant Classification Sherloc (09022015). Collection method: clinical testing. Allele origin: germline.
Comment: This sequence change replaces serine, which is neutral and polar, with glycine, which is neutral and non-polar, at codon 979 of the UNC80 protein (p.Ser979Gly). This variant is not present in population databases (gnomAD no frequency). This variant has not been reported in the literature in individuals affected with UNC80-related conditions. ClinVar contains an entry for this variant (Variation ID: 1382351). An algorithm developed to predict the effect of missense changes on protein structure and function outputs the following: PolyPhen-2: "Benign". The glycine amino acid residue is found in multiple mammalian species, which suggests that this missense change does not adversely affect protein function. In summary, the available evidence is currently insufficient to determine the role of this variant in disease. Therefore, it has been classified as a Variant of Uncertain Significance.

NM_001371986.1(UNC80):c.2935A>G (p.Ser979Gly)

Gene: UNC80 (unc-80 subunit of NALCN channel complex; plus strand). Cytogenetic location: 2q34.
Variant type: single nucleotide variant.
Coding change: c.2935A>G on transcript NM_001371986.1 (MANE Select); coding-DNA position 2935, A replaced by G.
Protein change: p.Ser979Gly; replaces serine 979 with glycine.
Molecular consequence: missense variant.
Genome position (GRCh38, 1-based): chr2:209,834,161, A>G. VCF-style: chr2-209834161-A-G. GRCh37 (hg19) VCF-style: chr2-210698885-A-G.
Other names: c.2935A>G, p.Ser979Gly (NM_032504.2); c.2920A>G, p.Ser974Gly (NM_182587.4); short protein forms S979G, S974G.
Identifiers: ClinVar variation 1382351 (VCV001382351.4), dbSNP rs1397666319, ClinGen allele CA350411780.